The following is an entry in ClinVar:

ClinVar aggregate classification (germline): Uncertain significance. Review status: criteria provided, multiple submitters, no conflicts (2 of 4 stars). 3 submissions from 3 submitters: Uncertain significance (3). Last evaluated 2025-01-15.

Conditions:
Inborn genetic diseases. Identifiers: MedGen C0950123, MeSH D030342.

Allele frequency attached by ClinVar (database versions not stated): ESP Exome Variant Server 0.00008; gnomAD 0.00009; TOPMed 0.00014.
gnomAD v4.1: 306 of 1,613,696 alleles (0.019%); highest among the groups gnomAD compares: Non-Finnish European, 0.024%; no homozygotes.

Submissions (3):

Ambry Genetics
Classification: Uncertain significance for Inborn genetic diseases. Last evaluated: 2025-01-15. Review status: criteria provided, single submitter. Criteria: Ambry Variant Classification Scheme 2023. Collection method: clinical testing. Allele origin: germline.

GeneDx
Classification: Uncertain significance. Last evaluated: 2024-01-04. Review status: criteria provided, single submitter. Criteria: GeneDx Variant Classification Process June 2021. Collection method: clinical testing. Allele origin: germline.
Comment: In silico analysis supports that this missense variant does not alter protein structure/function; Has not been previously published as pathogenic or benign to our knowledge

Labcorp Genetics (formerly Invitae), Labcorp
Classification: Uncertain significance. Last evaluated: 2022-05-27. Review status: criteria provided, single submitter. Criteria: Invitae Variant Classification Sherloc (09022015). Collection method: clinical testing. Allele origin: germline.
Comment: This sequence change replaces aspartic acid, which is acidic and polar, with asparagine, which is neutral and polar, at codon 879 of the RIN2 protein (p.Asp879Asn). This variant is present in population databases (rs200150633, gnomAD 0.02%). This variant has not been reported in the literature in individuals affected with RIN2-related conditions. Algorithms developed to predict the effect of missense changes on protein structure and function are either unavailable or do not agree on the potential impact of this missense change (SIFT: "Tolerated"; PolyPhen-2: "Not Available"; Align-GVGD: "Class C0"). In summary, the available evidence is currently insufficient to determine the role of this variant in disease. Therefore, it has been classified as a Variant of Uncertain Significance.

NM_018993.4(RIN2):c.2635G>A (p.Asp879Asn)

Gene: RIN2 (Ras and Rab interactor 2; plus strand). Cytogenetic location: 20p11.23.
Variant type: single nucleotide variant.
Coding change: c.2635G>A on transcript NM_018993.4 (MANE Select); coding-DNA position 2635, G replaced by A.
Protein change: p.Asp879Asn; replaces aspartic acid 879 with asparagine.
Molecular consequence: missense variant.
Genome position (GRCh38, 1-based): chr20:20,000,883, G>A. VCF-style: chr20-20000883-G-A. GRCh37 (hg19) VCF-style: chr20-19981527-G-A.
Other names: c.2782G>A, p.Asp928Asn (NM_001242581.2); c.2017G>A, p.Asp673Asn (NM_001378238.1); c.2635G>A (NM_018993.3); short protein forms D673N, D879N, D928N.
Identifiers: ClinVar variation 2059731 (VCV002059731.4), dbSNP rs200150633, ClinGen allele CA9780343.